The following is an entry in ClinVar:

NM_025099.6(CTC1):c.416C>G (p.Thr139Ser)

Gene: CTC1 (CST telomere replication complex component 1; minus strand). Cytogenetic location: 17p13.1.
Variant type: single nucleotide variant.
Coding change: c.416C>G on transcript NM_025099.6 (MANE Select); coding-DNA position 416, C replaced by G.
Protein change: p.Thr139Ser; replaces threonine 139 with serine.
Molecular consequence: missense variant. On other transcripts: non-coding transcript variant (1).
Genome position (GRCh38, 1-based): chr17:8,238,411, G>C on the plus strand (C>G on the coding strand, the complement: CTC1 is on the minus strand). VCF-style: chr17-8238411-G-C. GRCh37 (hg19) VCF-style: chr17-8141729-G-C.
Other names: short protein forms T139S.
Identifiers: ClinVar variation 1334857 (VCV001334857.9), dbSNP rs2151531295, ClinGen allele CA397993032.
Genomic context (GRCh38, chr17:8,238,411, plus strand): 5'-TTGTCAGGATCTGAGGCATCTGATCTCCACCTTCCACTCACCTCACAGCTCAGGACGCCA[G>C]TGTTATCTCTCACATAGAGGCTTCCGTTCCTGCACTCTTGTTCCAAGTCTGCCGATAGGT-3'
Protein context (NP_079375.3, residues 129-149): RNGSLYVRDN[Thr139Ser]GVLSCELIDL

ClinVar aggregate classification (germline): Uncertain significance. Review status: criteria provided, multiple submitters, no conflicts (2 of 4 stars). 2 submissions from 2 submitters: Uncertain significance (2). Last evaluated 2021-11-29.

Conditions:
Dyskeratosis congenita. Identifiers: Orphanet 1775, MedGen C0265965, MONDO:0015780.

Submissions (2):

Labcorp Genetics (formerly Invitae), Labcorp
Classification: Uncertain significance for Dyskeratosis congenita. Last evaluated: 2021-11-29. Review status: criteria provided, single submitter. Criteria: Invitae Variant Classification Sherloc (09022015). Collection method: clinical testing. Allele origin: germline.
Comment: In summary, the available evidence is currently insufficient to determine the role of this variant in disease. Therefore, it has been classified as a Variant of Uncertain Significance. Algorithms developed to predict the effect of missense changes on protein structure and function output the following: SIFT: "Deleterious"; PolyPhen-2: "Benign"; Align-GVGD: "Class C0". The serine amino acid residue is found in multiple mammalian species, which suggests that this missense change does not adversely affect protein function. This variant has not been reported in the literature in individuals affected with CTC1-related conditions. This variant is not present in population databases (gnomAD no frequency). This sequence change replaces threonine, which is neutral and polar, with serine, which is neutral and polar, at codon 139 of the CTC1 protein (p.Thr139Ser).

Genetic Services Laboratory, University of Chicago
Classification: Uncertain significance. Last evaluated: 2018-07-02. Review status: criteria provided, single submitter. Criteria: ACMG Guidelines, 2015. Collection method: clinical testing. Allele origin: germline. Affected: no.